The following is an entry in ClinVar:

NM_001364905.1(LRBA):c.4037A>C (p.Asn1346Thr)

Gene: LRBA (LPS responsive beige-like anchor protein; minus strand). Cytogenetic location: 4q31.3.
Variant type: single nucleotide variant.
Coding change: c.4037A>C on transcript NM_001364905.1 (MANE Select); coding-DNA position 4037, A replaced by C.
Protein change: p.Asn1346Thr; replaces asparagine 1346 with threonine.
Molecular consequence: missense variant.
Genome position (GRCh38, 1-based): chr4:150,849,543, T>G on the plus strand (A>C on the coding strand, the complement: LRBA is on the minus strand). VCF-style: chr4-150849543-T-G. GRCh37 (hg19) VCF-style: chr4-151770695-T-G.
Other names: c.4037A>C, p.Asn1346Thr (NM_001199282.3, NM_001367550.1, NM_006726.5); short protein forms N1346T.
Identifiers: ClinVar variation 1463101 (VCV001463101.8), dbSNP rs2126909037, ClinGen allele CA358454258.

ClinVar aggregate classification (germline): Uncertain significance (1 of 4 stars; one submission).

Conditions:
Combined immunodeficiency due to LRBA deficiency. Also called: Common variable immunodeficiency 8, with autoimmunity. Identifiers: Orphanet 445018, MedGen C3553512, MONDO:0013863, OMIM 614700.

Submission:

Labcorp Genetics (formerly Invitae), Labcorp
Classification: Uncertain significance for Combined immunodeficiency due to LRBA deficiency. Last evaluated: 2020-11-15. Review status: criteria provided, single submitter. Criteria: Invitae Variant Classification Sherloc (09022015). Collection method: clinical testing. Allele origin: germline.
Comment: This sequence change replaces asparagine with threonine at codon 1346 of the LRBA protein (p.Asn1346Thr). The asparagine residue is moderately conserved and there is a small physicochemical difference between asparagine and threonine. This variant is not present in population databases (ExAC no frequency). This variant has not been reported in the literature in individuals with LRBA-related conditions. Algorithms developed to predict the effect of missense changes on protein structure and function are either unavailable or do not agree on the potential impact of this missense change (SIFT: "Tolerated"; PolyPhen-2: "Probably Damaging"; Align-GVGD: "Class C0"). In summary, the available evidence is currently insufficient to determine the role of this variant in disease. Therefore, it has been classified as a Variant of Uncertain Significance.